The following is an entry in ClinVar:

NM_000702.4(ATP1A2):c.2936C>T (p.Pro979Leu)

Gene: ATP1A2 (ATPase Na+/K+ transporting subunit alpha 2; plus strand). Cytogenetic location: 1q23.2.
Variant type: single nucleotide variant.
Coding change: c.2936C>T on transcript NM_000702.4 (MANE Select); coding-DNA position 2936, C replaced by T.
Protein change: p.Pro979Leu; replaces proline 979 with leucine.
Molecular consequence: missense variant.
Genome position (GRCh38, 1-based): chr1:160,139,735, C>T. VCF-style: chr1-160139735-C-T. GRCh37 (hg19) VCF-style: chr1-160109525-C-T.
Other names: short protein forms P979L.
Identifiers: ClinVar variation 12925 (VCV000012925.19), dbSNP rs121918615, ClinGen allele CA256644.

ClinVar aggregate classification (germline): Pathogenic. Review status: criteria provided, multiple submitters, no conflicts (2 of 4 stars). 8 submissions from 8 submitters: Pathogenic (6). 2 of the submissions do not count toward it. Last evaluated 2025-10-01.

Conditions:
ATP1A2-related disorder. Also called: ATP1A2-related condition; ATP1A2-RELATED DISORDERS.
Familial hemiplegic migraine. Identifiers: MedGen C0338484, MONDO:0000700.
Migraine, familial hemiplegic, 2. Identifiers: Orphanet 569, MedGen C1865322, MONDO:0011232, OMIM 602481.
Alternating hemiplegia of childhood 1 (AHC1). Identifiers: Orphanet 2131, MedGen C3549447, MONDO:0007087, OMIM 104290.

Submissions (8):

GeneDx
Classification: Pathogenic. Last evaluated: 2025-10-01. Review status: criteria provided, single submitter. Criteria: GeneDx Variant Classification Process June 2021. Collection method: clinical testing. Allele origin: germline. Affected: yes.
Comment: Published functional studies demonstrate a damaging effect, with P979L resulting in an unstable protein at physiological temperature comparing with wild type (PMID: 19372756); In silico analysis supports that this missense variant has a deleterious effect on protein structure/function; Not observed at significant frequency in large population cohorts (gnomAD); This variant is associated with the following publications: (PMID: 19673908, 18184292, 28479855, 16437583, 19372756, 15159495, 37142513, 23821026, 27790126, 32005694, 15907261)

3billion
Classification: Pathogenic for Migraine, familial hemiplegic, 2. Last evaluated: 2024-12-10. Review status: criteria provided, single submitter. Criteria: ACMG Guidelines, 2015. Collection method: clinical testing. Allele origin: germline. Affected: yes.
Comment: The variant is not observed in the gnomAD v4.1.0 dataset. Predicted Consequence/Location: Missense variant Functional studies provide strong evidence of the variant having a damaging effect on the gene or gene product (PMID: 19372756). In silico tool predictions suggest damaging effect of the variant on gene or gene product [REVEL: 0.95 (>=0.6, sensitivity 0.68 and specificity 0.92); 3Cnet: 0.93 (>=0.6, sensitivity 0.72 and precision 0.9)]. The same nucleotide change resulting in the same amino acid change has been previously reported as pathogenic/likely pathogenic with strong evidence (ClinVar ID: VCV000012925 /PMID: 15159495). The variant has been reported to co-segregate with the disease in at least 5 similarly affected relatives/individuals in the same family or similarly affected unrelated families (PMID: 15159495). Therefore, this variant is classified as Pathogenic according to the recommendation of ACMG/AMP guideline.

Blueprint Genetics
Classification: Pathogenic for ATP1A2-related disorders. Last evaluated: 2024-08-27. Review status: criteria provided, single submitter. Criteria: ACMG Guidelines, 2015. Collection method: clinical testing. Allele origin: germline. Affected: yes. Observed: 1 variant allele.

Labcorp Genetics (formerly Invitae), Labcorp
Classification: Pathogenic for Familial hemiplegic migraine. Last evaluated: 2024-07-31. Review status: criteria provided, single submitter. Criteria: Invitae Variant Classification Sherloc (09022015). Collection method: clinical testing. Allele origin: germline.
Comment: This sequence change replaces proline, which is neutral and non-polar, with leucine, which is neutral and non-polar, at codon 979 of the ATP1A2 protein (p.Pro979Leu). This variant is not present in population databases (gnomAD no frequency). This missense change has been observed in individuals with familial and sporadic hemiplegic migraine (PMID: 15159495, 23821026, 27790126). It has also been observed to segregate with disease in related individuals. ClinVar contains an entry for this variant (Variation ID: 12925). Advanced modeling of protein sequence and biophysical properties (such as structural, functional, and spatial information, amino acid conservation, physicochemical variation, residue mobility, and thermodynamic stability) has been performed at Invitae for this missense variant, however the output from this modeling did not meet the statistical confidence thresholds required to predict the impact of this variant on ATP1A2 protein function. Experimental studies have shown that this missense change affects ATP1A2 function (PMID: 19372756). For these reasons, this variant has been classified as Pathogenic.

Institute of Human Genetics, University of Leipzig Medical Center
Classification: Pathogenic for Migraine, familial hemiplegic, 2. Last evaluated: 2023-02-16. Review status: criteria provided, single submitter. Criteria: ACMG Guidelines, 2015. Collection method: clinical testing. Allele origin: unknown. Affected: yes.
Comment: _x000D_ Criteria applied: PS3, PS4_MOD, PM2_SUP, PP2, PP3, PP4

Clinical Genetics Service, Universitary Hospital 12 de Octubre
Classification: Pathogenic for Migraine, familial hemiplegic, 2. Review status: criteria provided, single submitter. Criteria: ACMG Guidelines, 2015. Collection method: clinical testing. Allele origin: germline. Affected: yes.

OMIM
Classification: Pathogenic for MIGRAINE, FAMILIAL HEMIPLEGIC, 2. Last evaluated: 2004-05-25. Review status: no assertion criteria provided. Collection method: literature only. Allele origin: germline. Not counted in ClinVar's aggregate classification.

GeneReviews
No classification provided. Condition: Familial hemiplegic migraine. Review status: no classification provided. Collection method: literature only. Allele origin: germline. Not counted in ClinVar's aggregate classification.
Comment: Severe phenotype reported

Literature cited by the submitters: PubMed 19372756 (cited by 3billion and Labcorp Genetics (formerly Invitae), Labcorp); PubMed 15159495 (cited by 4 submitters); PubMed 23821026 (cited by Labcorp Genetics (formerly Invitae), Labcorp); PubMed 27790126 (cited by Labcorp Genetics (formerly Invitae), Labcorp); PubMed 20301562 (cited by GeneReviews).